The following is an entry in ClinVar:

NM_000127.3(EXT1):c.500C>A (p.Ser167Ter)

Gene: EXT1 (exostosin glycosyltransferase 1; minus strand). Cytogenetic location: 8q24.11.
Variant type: single nucleotide variant.
Coding change: c.500C>A on transcript NM_000127.3 (MANE Select); coding-DNA position 500, C replaced by A.
Protein change: p.Ser167Ter; replaces serine 167 with a stop codon.
Molecular consequence: nonsense.
Genome position (GRCh38, 1-based): chr8:118,110,547, G>T on the plus strand (C>A on the coding strand, the complement: EXT1 is on the minus strand). VCF-style: chr8-118110547-G-T. GRCh37 (hg19) VCF-style: chr8-119122786-G-T.
Other names: short protein forms S167*.
Identifiers: ClinVar variation 3720869 (VCV003720869.2).

ClinVar aggregate classification (germline): Pathogenic (1 of 4 stars; one submission).

Conditions:
Multiple congenital exostosis (EXT). Also called: MULTIPLE CARTILAGINOUS EXOSTOSES; Multiple exostoses; Hereditary multiple osteochondromas; Hereditary multiple exostoses; Hereditary multiple exostosis; Multiple osteochondromas. Identifiers: Orphanet 321, MedGen C0015306, MONDO:0005508, HP:0002762.

Submission:

Labcorp Genetics (formerly Invitae), Labcorp
Classification: Pathogenic for Multiple congenital exostosis. Last evaluated: 2024-11-24. Review status: criteria provided, single submitter. Criteria: Invitae Variant Classification Sherloc (09022015). Collection method: clinical testing. Allele origin: germline.
Comment: This sequence change creates a premature translational stop signal (p.Ser167*) in the EXT1 gene. It is expected to result in an absent or disrupted protein product. Loss-of-function variants in EXT1 are known to be pathogenic (PMID: 10679937, 11391482, 19810120). This variant is not present in population databases (gnomAD no frequency). This premature translational stop signal has been observed in individual(s) with hereditary multiple osteochondromas (PMID: 16283885). For these reasons, this variant has been classified as Pathogenic.

Literature cited by the submitters: PubMed 10679937; PubMed 11391482; PubMed 19810120; PubMed 16283885.